The following is an entry in ClinVar:

NM_172366.4(FBXO16):c.261C>T (p.Asp87=)

Gene: FBXO16 (F-box protein 16; minus strand). Cytogenetic location: 8p21.1.
Variant type: single nucleotide variant.
Coding change: c.261C>T on transcript NM_172366.4 (MANE Select); coding-DNA position 261, C replaced by T.
Protein change: p.Asp87=; no amino-acid change (aspartic acid 87 retained).
Molecular consequence: synonymous variant.
Genome position (GRCh38, 1-based): chr8:28,463,693, G>A on the plus strand (C>T on the coding strand, the complement: FBXO16 is on the minus strand). VCF-style: chr8-28463693-G-A. GRCh37 (hg19) VCF-style: chr8-28321210-G-A.
Other names: c.225C>T, p.Asp75= (NM_001258211.2).
Identifiers: ClinVar variation 3234303 (VCV003234303.20), dbSNP rs1356154577, ClinGen allele CA460068359.
Genomic context (GRCh38, chr8:28,463,693, plus strand): 5'-CCGAGGGTCCAGGAAAGAAAAGATGTATAAAGATAACACCCTTGGAAGCTTGGTTGTAAA[G>A]TCCAGGGCTTCTGCTGGAATTTTCTCTTGAAGCTTTCGACAGCAGAACTTTTGCTGGGAC-3'
Protein context (NP_758954.1, residues 77-97): LQEKIPAEAL[Asp87=]FTTKLPRVLS

ClinVar aggregate classification (germline): Likely benign (1 of 4 stars; one submission).

Submission:

CeGaT Center for Human Genetics Tuebingen
Classification: Likely benign. Last evaluated: 2026-05-01. Review status: criteria provided, single submitter. Criteria: CeGaT Center For Human Genetics Tuebingen Variant Classification Criteria Version 2. Collection method: clinical testing. Allele origin: germline. Affected: yes. Observed: 3 variant alleles.
Comment: FBXO16: PM2:Supporting, BP4, BP7